The following continues an entry in ClinVar:

NM_000287.4(PEX6):c.1314_1321del (p.Glu439fs)

Gene: PEX6. ClinVar aggregate classification (germline): Pathogenic. Pathogenic (19).

Submissions 15 to 21 of 21:

Centre for Mendelian Genomics, University Medical Centre Ljubljana
Classification: Pathogenic for Peroxisome biogenesis disorder 4A (Zellweger). Last evaluated: 2020-03-19. Review status: criteria provided, single submitter. Criteria: ACMG Guidelines, 2015. Collection method: clinical testing. Allele origin: unknown. Affected: yes.
Comment: This variant was classified as: Pathogenic. The following ACMG criteria were applied in classifying this variant: PVS1,PM2,PS4,PS3.

Johns Hopkins Genomics, Johns Hopkins University
Classification: Pathogenic for Peroxisome biogenesis disorder 4A (Zellweger). Last evaluated: 2020-01-24. Review status: criteria provided, single submitter. Criteria: ACMG Guidelines, 2015. Collection method: clinical testing. Allele origin: germline.

Women's Health and Genetics/Laboratory Corporation of America, LabCorp
Classification: Pathogenic for Peroxisome biogenesis disorders, Zellweger syndrome spectrum. Last evaluated: 2018-12-14. Review status: criteria provided, single submitter. Criteria: LabCorp Variant Classification Summary - May 2015. Collection method: clinical testing. Allele origin: germline.
Comment: Variant summary: PEX6 c.1314_1321delGGAGGCCT (p.Glu439GlyfsX3) results in a premature termination codon, predicted to cause a truncation of the encoded protein or absence of the protein due to nonsense mediated decay, which are commonly known mechanisms for disease. The variant allele was found at a frequency of 7.9e-05 in 277088 control chromosomes (gnomAD). This frequency is not significantly higher than expected for a pathogenic variant in PEX6 causing Zellweger Syndrome (7.9e-05 vs 0.0019). c.1314_1321delGGAGGCCT has been reported in the literature in multiple individuals affected with Zellweger Syndrome Spectrum Disorders (Smith_2016, Berendse_2013, Ebberink_2010, Krause_2009). These data indicate that the variant is very likely to be associated with disease. Experimental evidence evaluating an impact on protein function demonstrated that presence of the variant along with another pathogenic/likely pathogenic variant in a cell line derived from an affected patient, resulted in a marked decrease in the number of cells carrying peroxisomes (<10% of the cells tested from the cell line were peroxisome-positive) (Berendse_2013). Two ClinVar submissions from research and clinical diagnostic laboratories (evaluation after 2014) cite the variant as pathogenic. Based on the evidence outlined above, the variant was classified as pathogenic.

Illumina Laboratory Services, Illumina
Classification: Pathogenic for Peroxisome biogenesis disorder 4A (Zellweger). Last evaluated: 2018-03-28. Review status: criteria provided, single submitter. Criteria: ICSL Variant Classification Criteria 09 May 2019. Collection method: clinical testing. Allele origin: germline.
Comment: The PEX6 c.1314_1321delGGAGGCCT (p.Glu439GlyfsTer3) variant has been reported in four studies and identified in at least seven individuals with Zellweger syndrome, including five homozygotes and two compound heterozygotes (Krause et al. 2009; Ebberink et al. 2010; Berendse et al. 2013; Smith et al. 2016). Control data are unavailable for this variant, which is reported at a frequency of 0.000260 in the South Asian population of the Genome Aggregation Database. Studies done by Berendse et al. (2013) showed that skin fibroblasts from an affected compound heterozygous individual with a second missense variant showed an increase in the number of peroxisome positive cells after being treated with 20mM of arginine for 21 days. Due to the potential impact of frameshift variants and the evidence from the literature, the p.Glu439GlyfsTer3 variant is classified as pathogenic for Zellweger syndrome. This variant was observed by ICSL as part of a predisposition screen in an ostensibly healthy population.

Leeds Amelogenesis Imperfecta Research Group, University of Leeds
Classification: Pathogenic for Heimler syndrome 2. Last evaluated: 2015-10-01. Review status: criteria provided, single submitter. Criteria: Submitter's publication. Collection method: research. Allele origin: germline. Affected: yes.
Comment: Papers report individuals with c.1314_1321delGGAGGCCT variants

Counsyl
Classification: Pathogenic for Peroxisome biogenesis disorder 4A (Zellweger). Last evaluated: 2016-07-05. Review status: no assertion criteria provided. Collection method: clinical testing. Allele origin: unknown. Not counted in ClinVar's aggregate classification.

Counsyl
Classification: Pathogenic for Peroxisome biogenesis disorder 4B. Last evaluated: 2016-07-05. Review status: no assertion criteria provided. Collection method: clinical testing. Allele origin: unknown. Not counted in ClinVar's aggregate classification.

Literature cited by the submitters: PubMed 10408779 (cited by Labcorp Genetics (formerly Invitae), Labcorp); PubMed 21031596 (cited by Labcorp Genetics (formerly Invitae), Labcorp); PubMed 31831025 (cited by Labcorp Genetics (formerly Invitae), Labcorp); PubMed 19142205 (cited by 6 submitters); PubMed 24016303 (cited by 3 submitters); PubMed 27302843 (cited by 5 submitters); PubMed 19877282 (cited by 7 submitters); PubMed 29220678 (cited by Victorian Clinical Genetics Services, Murdoch Childrens Research Institute); PubMed 22871920 (cited by Johns Hopkins Genomics, Johns Hopkins University).